The following is an entry in ClinVar:

NM_001042492.3(NF1):c.961G>C (p.Ala321Pro)

Gene: NF1 (neurofibromin 1; plus strand). Cytogenetic location: 17q11.2.
Variant type: single nucleotide variant.
Coding change: c.961G>C on transcript NM_001042492.3 (MANE Select); coding-DNA position 961, G replaced by C.
Protein change: p.Ala321Pro; replaces alanine 321 with proline.
Molecular consequence: missense variant.
Genome position (GRCh38, 1-based): chr17:31,200,494, G>C. VCF-style: chr17-31200494-G-C. GRCh37 (hg19) VCF-style: chr17-29527512-G-C.
Other names: c.961G>C, p.Ala321Pro (NM_000267.4, NM_001128147.3); short protein forms A321P.
Identifiers: ClinVar variation 939172 (VCV000939172.6), dbSNP rs2066507408, ClinGen allele CA398995908.

ClinVar aggregate classification (germline): Uncertain significance (1 of 4 stars; one submission).

Conditions:
Neurofibromatosis, type 1 (NF1). Also called: Peripheral type neurofibromatosis; VON RECKLINGHAUSEN DISEASE; Neurofibromatosis, type I; NEUROFIBROMATOSIS, TYPE I, SOMATIC. Identifiers: Orphanet 636, MedGen C0027831, MONDO:0018975, OMIM 162200. Disease mechanism: loss of function.

Submission:

Labcorp Genetics (formerly Invitae), Labcorp
Classification: Uncertain significance for Neurofibromatosis, type 1. Last evaluated: 2019-08-06. Review status: criteria provided, single submitter. Criteria: Invitae Variant Classification Sherloc (09022015). Collection method: clinical testing. Allele origin: germline.
Comment: In summary, the available evidence is currently insufficient to determine the role of this variant in disease. Therefore, it has been classified as a Variant of Uncertain Significance. Algorithms developed to predict the effect of missense changes on protein structure and function are either unavailable or do not agree on the potential impact of this missense change (SIFT: "Deleterious"; PolyPhen-2: "Probably Damaging"; Align-GVGD: "Class C0"). This variant has not been reported in the literature in individuals with NF1-related conditions. This variant is not present in population databases (ExAC no frequency). This sequence change replaces alanine with proline at codon 321 of the NF1 protein (p.Ala321Pro). The alanine residue is highly conserved and there is a small physicochemical difference between alanine and proline.